The following is an entry in ClinVar:

NM_002691.4(POLD1):c.2467C>T (p.Arg823Cys)

Gene: POLD1 (DNA polymerase delta 1, catalytic subunit; plus strand). Cytogenetic location: 19q13.33.
Variant type: single nucleotide variant.
Coding change: c.2467C>T on transcript NM_002691.4 (MANE Select); coding-DNA position 2467, C replaced by T.
Protein change: p.Arg823Cys; replaces arginine 823 with cysteine.
Molecular consequence: missense variant. On other transcripts: non-coding transcript variant (1).
Genome position (GRCh38, 1-based): chr19:50,414,893, C>T. VCF-style: chr19-50414893-C-T. GRCh37 (hg19) VCF-style: chr19-50918150-C-T.
Other names: c.2467C>T, p.Arg823Cys (NM_001256849.1); c.2545C>T, p.Arg849Cys (NM_001308632.1); c.2467C>T (NM_002691.2); short protein forms R849C, R823C.
Identifiers: ClinVar variation 407966 (VCV000407966.15), dbSNP rs376946722, ClinGen allele CA9596537.
Genomic context (GRCh38, chr19:50,414,893, plus strand): 5'-CTTATCAGCAAGAAGCGCTACGCGGGCCTGCTCTTCTCCTCCCGGCCCGACGCCCACGAC[C>T]GCATGGACTGCAAGGGCCTGGAGGCCGTGCGCAGGGACAACTGCCCCCTCGTGGCCAACC-3'
Protein context (NP_002682.2, residues 813-833): LFSSRPDAHD[Arg823Cys]MDCKGLEAVR

ClinVar aggregate classification (germline): Conflicting classifications of pathogenicity. Review status: criteria provided, conflicting classifications (1 of 4 stars). 5 submissions from 5 submitters: Uncertain significance (4); Likely benign (1). Last evaluated 2026-01-27.

Conditions:
Hereditary cancer-predisposing syndrome. Also called: Neoplastic Syndromes, Hereditary; Hereditary neoplastic syndrome; Hereditary Cancer Syndrome; Tumor predisposition. Identifiers: Orphanet 140162, MedGen C0027672, MeSH D009386, MONDO:0015356.
POLD1-related polyposis and colorectal cancer syndrome (CRCS10). Also called: Colorectal cancer, susceptibility to, 10; Colorectal cancer 10; COLORECTAL CANCER, SUSCEPTIBILITY TO, ON CHROMOSOME 19q. Identifiers: Orphanet 220460, MedGen C2675481, MONDO:0012953, OMIM 612591.
Immunodeficiency 120. Identifiers: MedGen C5935622, MONDO:0970994, OMIM 620836.
Mandibular hypoplasia-deafness-progeroid syndrome. Also called: Mandibular hypoplasia, deafness, progeroid features, and lipodystrophy syndrome. Identifiers: Orphanet 363649, MedGen C3715192, MONDO:0014157, OMIM 615381.

Allele frequency attached by ClinVar (database versions not stated): gnomAD exomes 0.00003 and 0.00004; ExAC 0.00004; gnomAD 0.00005 and 0.00006; TOPMed 0.00009; ESP Exome Variant Server 0.00023.
gnomAD v4.1: 61 of 1,609,678 alleles (0.0038%); highest among the groups gnomAD compares: African/African-American, 0.0053%; no homozygotes.

Submissions (5):

Labcorp Genetics (formerly Invitae), Labcorp
Classification: Uncertain significance for POLD1-related polyposis and colorectal cancer syndrome. Last evaluated: 2026-01-27. Review status: criteria provided, single submitter. Criteria: Invitae Variant Classification Sherloc (09022015). Collection method: clinical testing. Allele origin: germline.
Comment: This sequence change replaces arginine, which is basic and polar, with cysteine, which is neutral and slightly polar, at codon 823 of the POLD1 protein (p.Arg823Cys). This variant is present in population databases (rs376946722, gnomAD 0.06%). This variant has not been reported in the literature in individuals affected with POLD1-related conditions. ClinVar contains an entry for this variant (Variation ID: 407966). Invitae Evidence Modeling of protein sequence and biophysical properties (such as structural, functional, and spatial information, amino acid conservation, physicochemical variation, residue mobility, and thermodynamic stability) indicates that this missense variant is not expected to disrupt POLD1 protein function with a negative predictive value of 80%. In summary, the available evidence is currently insufficient to determine the role of this variant in disease. Therefore, it has been classified as a Variant of Uncertain Significance.

GeneDx
Classification: Uncertain significance. Last evaluated: 2025-09-03. Review status: criteria provided, single submitter. Criteria: GeneDx Variant Classification Process June 2021. Collection method: clinical testing. Allele origin: germline. Affected: yes.
Comment: In silico analysis supports that this missense variant has a deleterious effect on protein structure/function; Has not been previously published as pathogenic or benign to our knowledge; This variant is associated with the following publications: (PMID: 20951805, 31034466)

Ambry Genetics
Classification: Likely benign for Hereditary cancer-predisposing syndrome. Last evaluated: 2024-12-17. Review status: criteria provided, single submitter. Criteria: Ambry Variant Classification Scheme 2023. Collection method: clinical testing. Allele origin: germline.

Department of Pathology and Laboratory Medicine, Sinai Health System
Classification: Uncertain significance for POLD1-related polyposis and colorectal cancer syndrome; Mandibular hypoplasia-deafness-progeroid syndrome; Immunodeficiency 120. Last evaluated: 2023-09-21. Review status: criteria provided, single submitter. Criteria: ACMG Guidelines, 2015. Collection method: clinical testing. Allele origin: germline. Affected: no.

Fulgent Genetics
Classification: Uncertain significance for POLD1-related polyposis and colorectal cancer syndrome; Mandibular hypoplasia-deafness-progeroid syndrome. Last evaluated: 2018-10-31. Review status: criteria provided, single submitter. Criteria: ACMG Guidelines, 2015. Collection method: clinical testing. Allele origin: unknown.